The following is an entry in ClinVar:

NM_001330691.3(CEP78):c.2082TTC[1] (p.Ser696del)

Gene: CEP78 (centrosomal protein 78; plus strand). Cytogenetic location: 9q21.2.
Variant type: Microsatellite.
Coding change: c.2082TTC[1] on transcript NM_001330691.3 (MANE Select); one copy of the 3-base unit TTC starting at c.2082; the reference has two copies in a row; one copy, 3 bases deleted.
Protein change: p.Ser696del; deletes serine 696.
Molecular consequence: inframe deletion.
Genome position (GRCh38, 1-based): chr9:78,266,681-78,266,683, TTC deleted; deleting any 3 consecutive bases within chr9:78,266,676-78,266,683 gives the same sequence; the position shown is the placement nearest the transcript's 3' end. VCF-style (leftmost placement, unchanged base first): chr9-78266675-ATCT-A. GRCh37 (hg19) VCF-style: chr9-80881591-ATCT-A.
Other names: c.2085TTC[1], p.Ser697del (NM_001098802.3, NM_001349839.2); c.2034TTC[1], p.Ser680del (NM_001330693.3, NM_001330694.2); c.2082TTC[1], p.Ser696del (NM_001349838.2); c.2037TTC[1], p.Ser681del (NM_001349840.2, NM_032171.3); short protein forms S697del, S680del, S681del, S696del.
Identifiers: ClinVar variation 948163 (VCV000948163.10), dbSNP rs1827554403, ClinGen allele CA1857648303.
Genomic context (GRCh38, chr9:78,266,675, plus strand): 5'-AGATGCGACTTCTGGAACTGGAAGTCAAAGAAAAGAAGAGGAGTTGTCCAGAAATAGCAG[ATCT>A]TCTTCAGAGAAAAAGACCAAAACAGGTGAATATACCAAAAAACACTCTGATAAGCAACAC-3'

ClinVar aggregate classification (germline): Uncertain significance. Review status: criteria provided, multiple submitters, no conflicts (2 of 4 stars). 2 submissions from 2 submitters: Uncertain significance (2). Last evaluated 2020-02-21.

Submissions (2):

Labcorp Genetics (formerly Invitae), Labcorp
Classification: Uncertain significance. Last evaluated: 2020-02-21. Review status: criteria provided, single submitter. Criteria: Invitae Variant Classification Sherloc (09022015). Collection method: clinical testing. Allele origin: germline.
Comment: This variant, c.2088_2090del, results in the deletion of 1 amino acid of the CEP78 protein (p.Ser697del) but otherwise preserves the integrity of the reading frame. This variant is not present in population databases (ExAC no frequency). This variant has not been reported in the literature in individuals with CEP78-related conditions. In summary, the available evidence is currently insufficient to determine the role of this variant in disease. Therefore, it has been classified as a Variant of Uncertain Significance.

Blueprint Genetics
Classification: Uncertain significance. Last evaluated: 2020-01-31. Review status: criteria provided, single submitter. Criteria: ACMG Guidelines, 2015. Collection method: clinical testing. Allele origin: germline.